The following is an entry in ClinVar:

NM_007194.4(CHEK2):c.1375+2T>G

Gene: CHEK2 (checkpoint kinase 2; minus strand). Cytogenetic location: 22q12.1.
Variant type: single nucleotide variant.
Coding change: c.1375+2T>G on transcript NM_007194.4 (MANE Select); the canonical splice donor site of the intron after coding-DNA position 1375, T replaced by G.
Molecular consequence: splice donor variant.
Genome position (GRCh38, 1-based): chr22:28,695,125, A>C on the plus strand (T>G on the coding strand, the complement: CHEK2 is on the minus strand). VCF-style: chr22-28695125-A-C. GRCh37 (hg19) VCF-style: chr22-29091113-A-C.
Other names: c.712+2T>G (NM_001437942.1, NM_001257387.3); c.1174+2T>G (NM_001349956.3); c.1288+2T>G (NM_145862.3); c.1381+2T>G (NM_001438295.1); c.1468+2T>G (NM_001438293.1); c.1417+2T>G (NM_001438294.1); c.1504+2T>G (NM_001005735.3).
Identifiers: ClinVar variation 2018612 (VCV002018612.4), dbSNP rs1483241325, ClinGen allele CA411095297.

ClinVar aggregate classification (germline): Likely pathogenic (1 of 4 stars; one submission).

Conditions:
Familial cancer of breast. Also called: Hereditary breast cancer; BREAST CANCER, FAMILIAL; hereditary breast carcinoma. Identifiers: Orphanet 227535, MedGen C0346153, MONDO:0016419, OMIM 114480. Disease mechanism: loss of function.

Allele frequency attached by ClinVar (database versions not stated): gnomAD exomes below 0.00001.
gnomAD v4.1: 1 of 1,584,870 alleles (0.000063%); highest among the groups gnomAD compares: Non-Finnish European, 0.000087%; no homozygotes.

Submission:

Labcorp Genetics (formerly Invitae), Labcorp
Classification: Likely pathogenic for Familial cancer of breast. Last evaluated: 2022-07-21. Review status: criteria provided, single submitter. Criteria: Invitae Variant Classification Sherloc (09022015). Collection method: clinical testing. Allele origin: germline.
Comment: In summary, the currently available evidence indicates that the variant is pathogenic, but additional data are needed to prove that conclusively. Therefore, this variant has been classified as Likely Pathogenic. Algorithms developed to predict the effect of sequence changes on RNA splicing suggest that this variant may disrupt the consensus splice site. This variant has not been reported in the literature in individuals affected with CHEK2-related conditions. This variant is not present in population databases (gnomAD no frequency). This sequence change affects a donor splice site in intron 12 of the CHEK2 gene. It is expected to disrupt RNA splicing. Variants that disrupt the donor or acceptor splice site typically lead to a loss of protein function (PMID: 16199547), and loss-of-function variants in CHEK2 are known to be pathogenic (PMID: 21876083, 24713400).

Literature cited by the submitters: PubMed 16199547; PubMed 21876083; PubMed 24713400.